The following is an entry in ClinVar:

NM_000077.5(CDKN2A):c.332G>T (p.Gly111Val)

Gene: CDKN2A (cyclin dependent kinase inhibitor 2A; minus strand). Cytogenetic location: 9p21.3.
Variant type: single nucleotide variant.
Coding change: c.332G>T on transcript NM_000077.5; coding-DNA position 332, G replaced by T.
Protein change: p.Gly111Val; replaces glycine 111 with valine.
Molecular consequence: missense variant (on NM_000077.6). On other transcripts: synonymous variant (1), 3 prime UTR variant (1).
Genome position (GRCh38, 1-based): chr9:21,971,027, C>A on the plus strand (G>T on the coding strand, the complement: CDKN2A is on the minus strand). VCF-style: chr9-21971027-C-A. GRCh37 (hg19) VCF-style: chr9-21971026-C-A.
Other names: c.332G>T, p.Gly111Val (NM_000077.6, NM_001195132.2); c.179G>T, p.Gly60Val (NM_001363763.2); c.375G>T, p.Gly125= (NM_058195.4); c.*255G>T (NM_058197.5); short protein forms G60V, G111V.
Identifiers: ClinVar variation 1487529 (VCV001487529.8), dbSNP rs2131093568, ClinGen allele CA373086042.
Genomic context (GRCh38, chr9:21,971,027, plus strand): 5'-CGCAGGTACCGTGCGACATCGCGATGGCCCAGCTCCTCAGCCAGGTCCACGGGCAGACGG[C>A]CCCAGGCATCGCGCACGTCCAGCCGCGCCCCGGCCCGGTGCAGCACCACCAGCGTGTCCA-3'
Protein context (NP_000068.1, residues 101-121): GARLDVRDAW[Gly111Val]RLPVDLAEEL

ClinVar aggregate classification (germline): Uncertain significance. Review status: criteria provided, multiple submitters, no conflicts (2 of 4 stars). 3 submissions from 3 submitters: Uncertain significance (3). Last evaluated 2024-03-27.

Conditions:
Melanoma and neural system tumor syndrome. Also called: MELANOMA-ASTROCYTOMA SYNDROME. Identifiers: Orphanet 252206, MedGen C1835042, MONDO:0007967, OMIM 155755.
Familial melanoma. Also called: Hereditary melanoma; Hereditary cutaneous melanoma. Identifiers: Orphanet 618, MedGen C1512419, MONDO:0018961.
Hereditary cancer-predisposing syndrome. Also called: Tumor predisposition; Hereditary neoplastic syndrome; Hereditary Cancer Syndrome; Neoplastic Syndromes, Hereditary. Identifiers: Orphanet 140162, MedGen C0027672, MeSH D009386, MONDO:0015356.

Allele frequency attached by ClinVar (database versions not stated): gnomAD exomes below 0.00001.
gnomAD v4.1: 1 of 1,606,652 alleles (0.000062%); no homozygotes.

Submissions (3):

Color Diagnostics, LLC DBA Color Health
Classification: Uncertain significance for Hereditary cancer-predisposing syndrome. Last evaluated: 2024-03-27. Review status: criteria provided, single submitter. Criteria: ACMG Guidelines, 2015. Collection method: clinical testing. Allele origin: germline.
Comment: The CDKN2A locus encodes two different gene products, p16INK4a and p14ARF. This missense variant replaces glycine with valine at codon 111 of the CDKN2A (p16INK4A) protein. Computational prediction suggests that this variant may have deleterious impact on protein structure and function. To our knowledge, functional studies have not been performed for this variant. This variant has not been reported in individuals affected with CDKN2A-related disorders in the literature. This variant has not been identified in the general population by the Genome Aggregation Database (gnomAD). The available evidence is insufficient to determine the role of this variant in disease conclusively. Therefore, this variant is classified as a Variant of Uncertain Significance.

Baylor Genetics
Classification: Uncertain significance for Melanoma and neural system tumor syndrome. Last evaluated: 2023-11-17. Review status: criteria provided, single submitter. Criteria: ACMG Guidelines, 2015. Collection method: clinical testing. Allele origin: unknown.

Labcorp Genetics (formerly Invitae), Labcorp
Classification: Uncertain significance for Familial melanoma. Last evaluated: 2023-09-26. Review status: criteria provided, single submitter. Criteria: Invitae Variant Classification Sherloc (09022015). Collection method: clinical testing. Allele origin: germline.
Comment: This variant is not present in population databases (gnomAD no frequency). This sequence change replaces glycine, which is neutral and non-polar, with valine, which is neutral and non-polar, at codon 111 of the CDKN2A (p16INK4a) protein (p.Gly111Val). This variant has not been reported in the literature in individuals affected with CDKN2A (p16INK4a)-related conditions. In summary, the available evidence is currently insufficient to determine the role of this variant in disease. Therefore, it has been classified as a Variant of Uncertain Significance. An algorithm developed to predict the effect of missense changes on protein structure and function (PolyPhen-2) suggests that this variant is likely to be disruptive. ClinVar contains an entry for this variant (Variation ID: 1487529).